The following is an entry in ClinVar:

ClinVar aggregate classification (germline): Benign (1 of 4 stars; one submission).

Conditions:
Familial cancer of breast. Also called: hereditary breast carcinoma; Hereditary breast cancer; BREAST CANCER, FAMILIAL. Identifiers: Orphanet 227535, MedGen C0346153, MONDO:0016419, OMIM 114480. Disease mechanism: loss of function.

gnomAD v4.1: 1 of 1,541,516 alleles (0.000065%); highest among the groups gnomAD compares: Non-Finnish European, 0.000088%; no homozygotes.

Submission:

Myriad Genetics, Inc.
Classification: Benign for Familial cancer of breast. Last evaluated: 2024-07-24. Review status: criteria provided, single submitter. Criteria: Myriad Autosomal Dominant, Autosomal Recessive and X-Linked Classification Criteria (2023). Collection method: clinical testing. Allele origin: unknown.
Comment: This variant is considered benign. This variant is a silent/synonymous amino acid change and it is not expected to impact splicing.

NM_000465.4(BARD1):c.1095A>G (p.Pro365=)

Gene: BARD1 (BRCA1 associated RING domain 1; minus strand). Cytogenetic location: 2q35.
Variant type: single nucleotide variant.
Coding change: c.1095A>G on transcript NM_000465.4 (MANE Select); coding-DNA position 1095, A replaced by G.
Protein change: p.Pro365=; no amino-acid change (proline 365 retained).
Molecular consequence: synonymous variant. On other transcripts: non-coding transcript variant (2), intron variant (3).
Genome position (GRCh38, 1-based): chr2:214,780,779, T>C on the plus strand (A>G on the coding strand, the complement: BARD1 is on the minus strand). VCF-style: chr2-214780779-T-C. GRCh37 (hg19) VCF-style: chr2-215645503-T-C.
Other names: c.1038A>G, p.Pro346= (NM_001282543.2); c.159-28224A>G (NM_001282548.2); c.215+16282A>G (NM_001282545.2); c.364+11518A>G (NM_001282549.2).
Identifiers: ClinVar variation 3378712 (VCV003378712.1).